The following is an entry in ClinVar:

ClinVar aggregate classification (germline): Likely pathogenic (1 of 4 stars; one submission).

Conditions:
Carnitine palmitoyl transferase 1A deficiency. Also called: Carnitine palmitoyltransferase 1A deficiency; Carnitine palmitoyltransferase type I deficiency; CPT I DEFICIENCY; CPT DEFICIENCY, HEPATIC, TYPE I; CPT deficiency, hepatic, type IA. Identifiers: Orphanet 156, MedGen C1829703, MONDO:0009705, OMIM 255120.

Submission:

Natera, Inc.
Classification: Likely pathogenic for Carnitine palmitoyltransferase type I deficiency. Last evaluated: 2025-03-28. Review status: criteria provided, single submitter. Criteria: Natera Variant Classification Schema (03/2026). Collection method: clinical testing. Allele origin: germline.
Comment: The c.1720dup variant in CPT1A is a frameshift variant predicted to shift the reading frame beginning at codon 574 and leads to a stop codon 38 codons downstream. This variant is expected to result in nonsense mediated decay, truncation, or a dysfunctional protein product. This variant is rare in the general population with a frequency below the threshold expected for the associated phenotype(s). Given the available evidence, this variant is classified as Likely Pathogenic.

NM_001876.4(CPT1A):c.1720dup (p.Leu574fs)

Gene: CPT1A (carnitine palmitoyltransferase 1A; minus strand). Cytogenetic location: 11q13.3.
Variant type: Duplication.
Coding change: c.1720dup on transcript NM_001876.4 (MANE Select); coding-DNA position 1720, one base duplicated (C; older notation c.1720dupC).
Protein change: p.Leu574fs; shifts the reading frame from leucine 574.
Molecular consequence: frameshift variant.
Genome position (GRCh38, 1-based): chr11:68,773,285, G duplicated on the plus strand (C on the coding strand, the reverse complement: CPT1A is on the minus strand); the first of 3 consecutive G bases (chr11:68,773,285-68,773,287); duplicating any one gives the same sequence. VCF-style (leftmost placement, unchanged base first): chr11-68773284-A-AG. GRCh37 (hg19) VCF-style: chr11-68540752-A-AG.
Other names: c.1720dup, p.Leu574fs (NM_001031847.3); short protein forms L574fs.
Identifiers: ClinVar variation 4065399 (VCV004065399.2).